The following is an entry in ClinVar:

NR_002196.3(H19):n.887G>A

Genes: H19 (H19 imprinted maternally expressed transcript; minus strand), MRPL23 (mitochondrial ribosomal protein L23; plus strand). Cytogenetic location: 11p15.5.
Variant type: single nucleotide variant.
Molecular consequence: non-coding transcript variant (on NR_002196.3). On other transcripts: intron variant (1).
Genome position: GRCh38 VCF-style: chr11-1996956-C-T. GRCh37 (hg19) VCF-style: chr11-2018186-C-T.
Other names: c.498-14585C>T (NM_001400176.1).
Identifiers: ClinVar variation 3049323 (VCV003049323.2), dbSNP rs115696222, ClinGen allele CA5817505.

ClinVar aggregate classification (germline): Likely benign (0 of 4 stars; one submission).

Conditions:
H19-related disorder. Also called: H19-related condition.

Allele frequency attached by ClinVar (database versions not stated): 1000 Genomes Project 0.00180; ExAC 0.00028.

Submission:

PreventionGenetics, part of Exact Sciences
Classification: Likely benign for H19-related condition. Last evaluated: 2019-03-30. Review status: no assertion criteria provided. Collection method: clinical testing. Allele origin: germline.
Comment: This variant is classified as likely benign based on ACMG/AMP sequence variant interpretation guidelines (Richards et al. 2015 PMID: 25741868, with internal and published modifications).